The following is an entry in ClinVar:

ClinVar aggregate classification (germline): Likely benign (1 of 4 stars; one submission).

Allele frequency attached by ClinVar (database versions not stated): gnomAD 0.00017; TOPMed 0.00019; ExAC 0.00027; 1000 Genomes Project 30x 0.00031; 1000 Genomes Project 0.00040.
gnomAD v4.1: 388 of 1,614,112 alleles (0.024%); highest among the groups gnomAD compares: Middle Eastern, 0.78%; 4 homozygotes.

Submission:

CeGaT Center for Human Genetics Tuebingen
Classification: Likely benign. Last evaluated: 2022-12-01. Review status: criteria provided, single submitter. Criteria: CeGaT Center For Human Genetics Tuebingen Variant Classification Criteria Version 2. Collection method: clinical testing. Allele origin: germline. Affected: yes. Observed: 1 variant allele.
Comment: OR10G3: BP4, BP7

NM_001005465.2(OR10G3):c.336G>A (p.Gln112=)

Gene: OR10G3 (olfactory receptor family 10 subfamily G member 3; minus strand). Cytogenetic location: 14q11.2.
Variant type: single nucleotide variant.
Coding change: c.336G>A on transcript NM_001005465.2 (MANE Select); coding-DNA position 336, G replaced by A.
Protein change: p.Gln112=; no amino-acid change (glutamine 112 retained).
Molecular consequence: synonymous variant.
Genome position (GRCh38, 1-based): chr14:21,570,409, C>T on the plus strand (G>A on the coding strand, the complement: OR10G3 is on the minus strand). VCF-style: chr14-21570409-C-T. GRCh37 (hg19) VCF-style: chr14-22038540-C-T.
Identifiers: ClinVar variation 2644071 (VCV002644071.24), dbSNP rs139555105, ClinGen allele CA7094148.
Genomic context (GRCh38, chr14:21,570,409, plus strand): 5'-GCGCAGGGGCTGACATATTGCCAGGTACCTGTCATAGGCCATTAGGGTGTAGAGGAAGCA[C>T]TGGGTGCTGCCCAGGAAGTGATAGAAATAGAGTTGAGCAACACAGCCACCAAATGGGATG-3'
Protein context (NP_001005465.1, residues 102-122): LYFYHFLGST[Gln112=]CFLYTLMAYD